The following is an entry in ClinVar:

NM_206926.2(SELENON):c.*316C>T

Gene: SELENON (selenoprotein N; plus strand). Cytogenetic location: 1p36.11.
Variant type: single nucleotide variant.
Coding change: c.*316C>T on transcript NM_206926.2 (MANE Select); 316 bases downstream of the stop codon, C replaced by T.
Molecular consequence: 3 prime UTR variant.
Genome position (GRCh38, 1-based): chr1:25,816,034, C>T. VCF-style: chr1-25816034-C-T. GRCh37 (hg19) VCF-style: chr1-26142525-C-T.
Other names: c.*316C>T (NM_020451.3).
Identifiers: ClinVar variation 875351 (VCV000875351.4), dbSNP rs570071091, ClinGen allele CA19699251.
Genomic context (GRCh38, chr1:25,816,034, plus strand): 5'-AGCTGCTTGGCCCCCCCAGATCAGGGCCTGGGTGAACTCCCTGGACCTTTCCTAGCCAGC[C>T]GCACAGTCTAGGCCCTTGTGGGGTGAAGAATGGAGGGAGGAGCAGGCTAGGAAGACGGGG-3'

ClinVar aggregate classification (germline): Likely benign (1 of 4 stars; one submission).

Conditions:
SEPN1-related disorder. Also called: SEPN1-Related Disorders. Identifiers: MedGen CN239420.

Allele frequency attached by ClinVar (database versions not stated): TOPMed 0.00014; gnomAD 0.00018 and 0.00017; 1000 Genomes Project 0.00060; 1000 Genomes Project 30x 0.00062; gnomAD exomes 0.00004.

Submission:

Illumina Laboratory Services, Illumina
Classification: Likely benign for SEPN1-Related Disorders. Last evaluated: 2018-01-12. Review status: criteria provided, single submitter. Criteria: ICSL Variant Classification Criteria 13 December 2019. Collection method: clinical testing. Allele origin: germline.
Comment: This variant was observed in the ICSL laboratory as part of a predisposition screen in an ostensibly healthy population. It had not been previously curated by ICSL or reported in the Human Gene Mutation Database (HGMD: prior to June 1st, 2018), and was therefore a candidate for classification through an automated scoring system. Utilizing variant allele frequency, disease prevalence and penetrance estimates, and inheritance mode, an automated score was calculated to assess if this variant is too frequent to cause the disease. Based on the score and internal cut-off values, a variant classified as likely benign is not then subjected to further curation. The score for this variant resulted in a classification of likely benign for this disease.